The following is an entry in ClinVar:

ClinVar aggregate classification (germline): Benign (1 of 4 stars; one submission).

Allele frequency attached by ClinVar (database versions not stated): gnomAD exomes 0.03744; gnomAD 0.15050 and 0.15623; TOPMed 0.16890; 1000 Genomes Project 0.21206; 1000 Genomes Project 30x 0.21690.
gnomAD v4.1: 44,965 of 728,348 alleles (6.2%); highest among the groups gnomAD compares: African/African-American, 48%; 7,714 homozygotes.

Submission:

GeneDx
Classification: Benign. Last evaluated: 2018-06-19. Review status: criteria provided, single submitter. Criteria: GeneDx Variant Classification (06012015). Collection method: clinical testing. Allele origin: germline. Affected: yes.
Comment: This variant is considered likely benign or benign based on one or more of the following criteria: it is a conservative change, it occurs at a poorly conserved position in the protein, it is predicted to be benign by multiple in silico algorithms, and/or has population frequency not consistent with disease.

NM_213599.3(ANO5):c.649-114T>A

Gene: ANO5 (anoctamin 5; plus strand). Cytogenetic location: 11p14.3.
Variant type: single nucleotide variant.
Coding change: c.649-114T>A on transcript NM_213599.3 (MANE Select); 114 bases into the intron before coding-DNA position 649, T replaced by A.
Molecular consequence: intron variant.
Genome position (GRCh38, 1-based): chr11:22,236,049, T>A. VCF-style: chr11-22236049-T-A. GRCh37 (hg19) VCF-style: chr11-22257595-T-A.
Other names: c.646-114T>A (NM_001142649.2).
Identifiers: ClinVar variation 677977 (VCV000677977.1), dbSNP rs11820954, ClinGen allele CA15708568.